The following is an entry in ClinVar:

ClinVar aggregate classification (germline): Likely benign. Review status: criteria provided, multiple submitters, no conflicts (2 of 4 stars). 2 submissions from 2 submitters: Likely benign (2). Last evaluated 2025-10-24.

Conditions:
SLC25A13-related disorder. Also called: SLC25A13-related condition.
Citrin deficiency. Identifiers: Orphanet 247582, MedGen C1997910, MONDO:0016602.

Allele frequency attached by ClinVar (database versions not stated): TOPMed below 0.00001; gnomAD 0.00001.
gnomAD v4.1: 1 of 1,610,968 alleles (0.000062%); highest among the groups gnomAD compares: African/African-American, 0.0013%; no homozygotes.

Submissions (2):

PreventionGenetics, part of Exact Sciences
Classification: Likely benign for SLC25A13-related condition. Last evaluated: 2025-10-24. Review status: criteria provided, single submitter. Criteria: ACMG Guidelines, 2015. Collection method: clinical testing. Allele origin: germline.
Comment: This variant is classified as likely benign based on ACMG/AMP sequence variant interpretation guidelines (Richards et al. 2015 PMID: 25741868, with internal and published modifications).

Labcorp Genetics (formerly Invitae), Labcorp
Classification: Likely benign for Citrin deficiency. Last evaluated: 2023-12-15. Review status: criteria provided, single submitter. Criteria: Invitae Variant Classification Sherloc (09022015). Collection method: clinical testing. Allele origin: germline.

NM_014251.3(SLC25A13):c.16-10T>C

Gene: SLC25A13 (solute carrier family 25 member 13; minus strand). Cytogenetic location: 7q21.3.
Variant type: single nucleotide variant.
Coding change: c.16-10T>C on transcript NM_014251.3 (MANE Select); 10 bases into the intron before coding-DNA position 16, T replaced by C.
Molecular consequence: intron variant.
Genome position (GRCh38, 1-based): chr7:96,296,961, A>G on the plus strand (T>C on the coding strand, the complement: SLC25A13 is on the minus strand). VCF-style: chr7-96296961-A-G. GRCh37 (hg19) VCF-style: chr7-95926273-A-G.
Other names: c.16-10T>C (NM_014251.2, NM_001160210.2).
Identifiers: ClinVar variation 2893572 (VCV002893572.4), dbSNP rs1395606774, ClinGen allele CA844231514.